The following is an entry in ClinVar:

NM_002439.5(MSH3):c.272T>C (p.Leu91Ser)

Gene: MSH3 (mutS homolog 3; plus strand). Cytogenetic location: 5q14.1.
Variant type: single nucleotide variant.
Coding change: c.272T>C on transcript NM_002439.5 (MANE Select); coding-DNA position 272, T replaced by C.
Protein change: p.Leu91Ser; replaces leucine 91 with serine.
Molecular consequence: missense variant.
Genome position (GRCh38, 1-based): chr5:80,656,445, T>C. VCF-style: chr5-80656445-T-C. GRCh37 (hg19) VCF-style: chr5-79952264-T-C.
Other names: short protein forms L91S.
Identifiers: ClinVar variation 1063958 (VCV001063958.9), dbSNP rs2112801624, ClinGen allele CA360266210.

ClinVar aggregate classification (germline): Uncertain significance (1 of 4 stars; one submission).

Submission:

Labcorp Genetics (formerly Invitae), Labcorp
Classification: Uncertain significance. Last evaluated: 2022-07-25. Review status: criteria provided, single submitter. Criteria: Invitae Variant Classification Sherloc (09022015). Collection method: clinical testing. Allele origin: germline.
Comment: In summary, the available evidence is currently insufficient to determine the role of this variant in disease. Therefore, it has been classified as a Variant of Uncertain Significance. Algorithms developed to predict the effect of missense changes on protein structure and function (SIFT, PolyPhen-2, Align-GVGD) all suggest that this variant is likely to be tolerated. ClinVar contains an entry for this variant (Variation ID: 1063958). This variant has not been reported in the literature in individuals affected with MSH3-related conditions. This variant is not present in population databases (gnomAD no frequency). This sequence change replaces leucine, which is neutral and non-polar, with serine, which is neutral and polar, at codon 91 of the MSH3 protein (p.Leu91Ser).